The following is an entry in ClinVar:

NM_000540.3(RYR1):c.5461G>A (p.Asp1821Asn)

Gene: RYR1 (ryanodine receptor 1; plus strand). Cytogenetic location: 19q13.2.
Variant type: single nucleotide variant.
Coding change: c.5461G>A on transcript NM_000540.3 (MANE Select); coding-DNA position 5461, G replaced by A.
Protein change: p.Asp1821Asn; replaces aspartic acid 1821 with asparagine.
Molecular consequence: missense variant.
Genome position (GRCh38, 1-based): chr19:38,486,116, G>A. VCF-style: chr19-38486116-G-A. GRCh37 (hg19) VCF-style: chr19-38976756-G-A.
Other names: c.5461G>A, p.Asp1821Asn (NM_001042723.2); short protein forms D1821N.
Identifiers: ClinVar variation 4758173 (VCV004758173.1).
Genomic context (GRCh38, chr19:38,486,116, plus strand): 5'-GCCATCCCGCTGGAGGCCCTGCGGGACAAGGCACTGAGGATGCTGGGGGAGGCGGTGCGC[G>A]ACGGTGGGCAGCACGCTCGCGACCCCGTCGGGGGCTCCGTGGAGTTCCAGTTTGTGCCTG-3'
Protein context (NP_000531.2, residues 1811-1831): ALRMLGEAVR[Asp1821Asn]GGQHARDPVG

ClinVar aggregate classification (germline): Uncertain significance (1 of 4 stars; one submission).

Conditions:
Malignant hyperthermia, susceptibility to, 1 (MHS1). Also called: RYR1-Related Malignant Hyperthermia Susceptibility; Malignant hyperthermia suceptibility 1; Anesthesia related hyperthermia; Malignant hyperpyrexia; Fulminating hyperpyrexia; Pharmacogenic myopathy. Identifiers: Orphanet 423, MedGen C2930980, MONDO:0007783, OMIM 145600.

gnomAD v4.1: 2 of 1,613,092 alleles (0.00012%); highest among the groups gnomAD compares: South Asian, 0.0011%; no homozygotes.

Submission:

Color Diagnostics, LLC DBA Color Health
Classification: Uncertain significance for Malignant hyperthermia, susceptibility to, 1. Last evaluated: 2025-10-15. Review status: criteria provided, single submitter. Criteria: ACMG Guidelines, 2015. Collection method: clinical testing. Allele origin: germline.
Comment: This missense variant replaces aspartic acid with asparagine at codon 1821 of the RYR1 protein. Computational prediction suggests that this variant may not impact protein structure and function. To our knowledge, functional studies have not been reported for this variant. This variant has not been reported in individuals affected with RYR1-related disorders in the literature. This variant has been identified in 2/1460784 chromosomes in the general population by the Genome Aggregation Database (gnomAD). The available evidence is insufficient to determine the role of this variant in disease conclusively. Therefore, this variant is classified as a Variant of Uncertain Significance.